The following is an entry in ClinVar:

ClinVar aggregate classification (germline): Uncertain significance (1 of 4 stars; one submission).

Conditions:
Left ventricular noncompaction 8 (LVNC8). Identifiers: Orphanet 154, Orphanet 54260, MedGen C3809288, MONDO:0014152, OMIM 615373.

Submission:

Labcorp Genetics (formerly Invitae), Labcorp
Classification: Uncertain significance for Left ventricular noncompaction 8. Last evaluated: 2023-04-19. Review status: criteria provided, single submitter. Criteria: Invitae Variant Classification Sherloc (09022015). Collection method: clinical testing. Allele origin: germline.
Comment: In summary, the available evidence is currently insufficient to determine the role of this variant in disease. Therefore, it has been classified as a Variant of Uncertain Significance. Algorithms developed to predict the effect of sequence changes on RNA splicing suggest that this variant may create or strengthen a splice site. An algorithm developed to predict the effect of missense changes on protein structure and function (PolyPhen-2) suggests that this variant is likely to be disruptive. This variant has not been reported in the literature in individuals affected with PRDM16-related conditions. This variant is not present in population databases (gnomAD no frequency). This sequence change replaces serine, which is neutral and polar, with leucine, which is neutral and non-polar, at codon 992 of the PRDM16 protein (p.Ser992Leu).

NM_022114.4(PRDM16):c.2975C>T (p.Ser992Leu)

Gene: PRDM16 (PR/SET domain 16; plus strand). Cytogenetic location: 1p36.32.
Variant type: single nucleotide variant.
Coding change: c.2975C>T on transcript NM_022114.4 (MANE Select); coding-DNA position 2975, C replaced by T.
Protein change: p.Ser992Leu; replaces serine 992 with leucine.
Molecular consequence: missense variant.
Genome position (GRCh38, 1-based): chr1:3,425,616, C>T. VCF-style: chr1-3425616-C-T. GRCh37 (hg19) VCF-style: chr1-3342180-C-T.
Other names: c.2975C>T, p.Ser992Leu (NM_199454.3); short protein forms S992L.
Identifiers: ClinVar variation 2857541 (VCV002857541.3), dbSNP rs2523948843, ClinGen allele CA338002177.